The following is an entry in ClinVar:

ClinVar aggregate classification (germline): Uncertain significance (1 of 4 stars; one submission).

Conditions:
Brugada syndrome. Also called: Sudden unexpected nocturnal death syndrome; Sudden unexplained nocturnal death syndrome; Sudden Unexplained Death Syndrome; Sudden Unexplained Nocturnal Death Syndrome (SUNDS). Identifiers: Orphanet 130, MedGen C1142166, MONDO:0015263.

gnomAD v4.1: 4 of 1,614,146 alleles (0.00025%); highest among the groups gnomAD compares: Non-Finnish European, 0.00034%; no homozygotes.

Submission:

Labcorp Genetics (formerly Invitae), Labcorp
Classification: Uncertain significance for Brugada syndrome. Last evaluated: 2025-08-21. Review status: criteria provided, single submitter. Criteria: Invitae Variant Classification Sherloc (09022015). Collection method: clinical testing. Allele origin: germline.
Comment: This sequence change replaces proline, which is neutral and non-polar, with serine, which is neutral and polar, at codon 16 of the SLMAP protein (p.Pro16Ser). This variant is not present in population databases (gnomAD no frequency). This variant has not been reported in the literature in individuals affected with SLMAP-related conditions. An algorithm developed to predict the effect of missense changes on protein structure and function (PolyPhen-2) suggests that this variant is likely to be disruptive. In summary, the available evidence is currently insufficient to determine the role of this variant in disease. Therefore, it has been classified as a Variant of Uncertain Significance.

NM_001377540.1(SLMAP):c.46C>T (p.Pro16Ser)

Gene: SLMAP (sarcolemma associated protein; plus strand). Cytogenetic location: 3p14.3.
Variant type: single nucleotide variant.
Coding change: c.46C>T on transcript NM_001377540.1 (MANE Select); coding-DNA position 46, C replaced by T.
Protein change: p.Pro16Ser; replaces proline 16 with serine.
Molecular consequence: missense variant. On other transcripts: non-coding transcript variant (1).
Genome position (GRCh38, 1-based): chr3:57,757,697, C>T. VCF-style: chr3-57757697-C-T. GRCh37 (hg19) VCF-style: chr3-57743424-C-T.
Other names: c.46C>T, p.Pro16Ser (NM_001304420.3, NM_001304421.2, NM_001377538.1 and 17 more transcripts); short protein forms P16S.
Identifiers: ClinVar variation 4809464 (VCV004809464.1).